The following is an entry in ClinVar:

NM_030665.4(RAI1):c.1174T>G (p.Phe392Val)

Gene: RAI1 (retinoic acid induced 1; plus strand). Cytogenetic location: 17p11.2.
Variant type: single nucleotide variant.
Coding change: c.1174T>G on transcript NM_030665.4 (MANE Select); coding-DNA position 1174, T replaced by G.
Protein change: p.Phe392Val; replaces phenylalanine 392 with valine.
Molecular consequence: missense variant.
Genome position (GRCh38, 1-based): chr17:17,794,122, T>G. VCF-style: chr17-17794122-T-G. GRCh37 (hg19) VCF-style: chr17-17697436-T-G.
Other names: short protein forms F392V.
Identifiers: ClinVar variation 4990976 (VCV004990976.1).

ClinVar aggregate classification (germline): Uncertain significance (1 of 4 stars; one submission).

Conditions:
RAI1-related disorder. Also called: RAI1-related condition.

gnomAD v4.1: 1 of 1,614,048 alleles (0.000062%); highest among the groups gnomAD compares: East Asian, 0.0022%; no homozygotes.

Submission:

PreventionGenetics, part of Exact Sciences
Classification: Uncertain significance for RAI1-related condition. Last evaluated: 2025-12-23. Review status: criteria provided, single submitter. Criteria: ACMG Guidelines, 2015. Collection method: clinical testing. Allele origin: germline.
Comment: The RAI1 c.1174T>G variant is predicted to result in the amino acid substitution p.Phe392Val. To our knowledge, this variant has not been reported in the literature or in a large population database (gnomAD), indicating this variant is rare. At this time, the clinical significance of this variant is uncertain due to the absence of conclusive functional and genetic evidence.